The following is an entry in ClinVar:

NM_144997.7(FLCN):c.122A>C (p.Gln41Pro)

Gene: FLCN (folliculin; minus strand). Cytogenetic location: 17p11.2.
Variant type: single nucleotide variant.
Coding change: c.122A>C on transcript NM_144997.7 (MANE Select); coding-DNA position 122, A replaced by C.
Protein change: p.Gln41Pro; replaces glutamine 41 with proline.
Molecular consequence: missense variant.
Genome position (GRCh38, 1-based): chr17:17,228,016, T>G on the plus strand (A>C on the coding strand, the complement: FLCN is on the minus strand). VCF-style: chr17-17228016-T-G. GRCh37 (hg19) VCF-style: chr17-17131330-T-G.
Other names: c.122A>C, p.Gln41Pro (NM_001353229.2, NM_001353230.2, NM_001353231.2 and 1 more transcripts); short protein forms Q41P.
Identifiers: ClinVar variation 947953 (VCV000947953.8), dbSNP rs2047309411, ClinGen allele CA398535284.
Genomic context (GRCh38, chr17:17,228,016, plus strand): 5'-TGCGCACGCATCCGACTGTTCATCTGAATGCCACCTTCCTCTTCTTCCGCCTGCTCACCC[T>G]GGCCAGGACTGTCCTCATTCCCATCCCCTTGAGGAAGTGGGGCGTGCAGCACCTCCGTGC-3'
Protein context (NP_659434.2, residues 31-51): QGDGNEDSPG[Gln41Pro]GEQAEEEEGG

ClinVar aggregate classification (germline): Uncertain significance. Review status: criteria provided, multiple submitters, no conflicts (2 of 4 stars). 2 submissions from 2 submitters: Uncertain significance (2). Last evaluated 2026-07-06.

Conditions:
Birt-Hogg-Dube syndrome. Also called: Birt Hogg Dubé syndrome. Identifiers: Orphanet 122, MedGen C0346010, MONDO:0800444.
Hereditary cancer-predisposing syndrome. Also called: Neoplastic Syndromes, Hereditary; Hereditary Cancer Syndrome; Tumor predisposition; Hereditary neoplastic syndrome. Identifiers: Orphanet 140162, MedGen C0027672, MeSH D009386, MONDO:0015356.

Submissions (2):

Ambry Genetics
Classification: Uncertain significance for Hereditary cancer-predisposing syndrome. Last evaluated: 2026-07-06. Review status: criteria provided, single submitter. Criteria: Ambry Variant Classification Scheme 2023. Collection method: clinical testing. Allele origin: germline.
Comment: The p.Q41P variant (also known as c.122A>C), located in coding exon 1 of the FLCN gene, results from an A to C substitution at nucleotide position 122. The glutamine at codon 41 is replaced by proline, an amino acid with similar properties. This amino acid position is conserved. In addition, the in silico prediction for this alteration is inconclusive. Based on the available evidence, the clinical significance of this variant remains unclear.

Labcorp Genetics (formerly Invitae), Labcorp
Classification: Uncertain significance for Birt-Hogg-Dube syndrome. Last evaluated: 2019-04-14. Review status: criteria provided, single submitter. Criteria: Invitae Variant Classification Sherloc (09022015). Collection method: clinical testing. Allele origin: germline.
Comment: In summary, the available evidence is currently insufficient to determine the role of this variant in disease. Therefore, it has been classified as a Variant of Uncertain Significance. Algorithms developed to predict the effect of missense changes on protein structure and function (SIFT, PolyPhen-2, Align-GVGD) all suggest that this variant is likely to be tolerated, but these predictions have not been confirmed by published functional studies and their clinical significance is uncertain. This variant has not been reported in the literature in individuals with FLCN-related conditions. This variant is not present in population databases (ExAC no frequency). This sequence change replaces glutamine with proline at codon 41 of the FLCN protein (p.Gln41Pro). The glutamine residue is moderately conserved and there is a moderate physicochemical difference between glutamine and proline.